The following is an entry in ClinVar:

ClinVar aggregate classification (germline): Uncertain significance (1 of 4 stars; one submission).

Conditions:
Inborn genetic diseases. Identifiers: MedGen C0950123, MeSH D030342.

gnomAD v4.1: 1 of 1,614,014 alleles (0.000062%); highest among the groups gnomAD compares: South Asian, 0.0011%; no homozygotes.

Submission:

Ambry Genetics
Classification: Uncertain significance for Inborn genetic diseases. Last evaluated: 2025-03-03. Review status: criteria provided, single submitter. Criteria: Ambry Variant Classification Scheme 2023. Collection method: clinical testing. Allele origin: germline.
Comment: The p.A78G variant (also known as c.233C>G), located in coding exon 1 of the SAMD9 gene, results from a C to G substitution at nucleotide position 233. The alanine at codon 78 is replaced by glycine, an amino acid with similar properties. This amino acid position is conserved. In addition, this alteration is predicted to be tolerated by in silico analysis. Based on the available evidence, the clinical significance of this variant remains unclear.

NM_017654.4(SAMD9):c.233C>G (p.Ala78Gly)

Gene: SAMD9 (sterile alpha motif domain containing 9; minus strand). Cytogenetic location: 7q21.2.
Variant type: single nucleotide variant.
Coding change: c.233C>G on transcript NM_017654.4 (MANE Select); coding-DNA position 233, C replaced by G.
Protein change: p.Ala78Gly; replaces alanine 78 with glycine.
Molecular consequence: missense variant.
Genome position (GRCh38, 1-based): chr7:93,105,865, G>C on the plus strand (C>G on the coding strand, the complement: SAMD9 is on the minus strand). VCF-style: chr7-93105865-G-C. GRCh37 (hg19) VCF-style: chr7-92735178-G-C.
Other names: c.233C>G, p.Ala78Gly (NM_001193307.2); short protein forms A78G.
Identifiers: ClinVar variation 3792146 (VCV003792146.1).